The following is an entry in ClinVar:

NM_172107.4(KCNQ2):c.2065A>C (p.Ile689Leu)

Gene: KCNQ2 (potassium voltage-gated channel subfamily Q member 2; minus strand). Cytogenetic location: 20q13.33.
Variant type: single nucleotide variant.
Coding change: c.2065A>C on transcript NM_172107.4 (MANE Select); coding-DNA position 2065, A replaced by C.
Protein change: p.Ile689Leu; replaces isoleucine 689 with leucine.
Molecular consequence: missense variant.
Genome position (GRCh38, 1-based): chr20:63,407,198, T>G on the plus strand (A>C on the coding strand, the complement: KCNQ2 is on the minus strand). VCF-style: chr20-63407198-T-G. GRCh37 (hg19) VCF-style: chr20-62038551-T-G.
Other names: p.I689L:ATC>CTC; c.2119A>C, p.Ile707Leu (NM_001382235.1); c.2008A>C, p.Ile670Leu (NM_001439003.1); c.1978A>C, p.Ile660Leu (NM_001439004.1); c.1981A>C, p.Ile661Leu (NM_004518.6); c.2011A>C, p.Ile671Leu (NM_172106.3); c.1972A>C, p.Ile658Leu (NM_172108.5); short protein forms I689L, I658L, I661L, I671L, I707L, I660L, I670L.
Identifiers: ClinVar variation 205848 (VCV000205848.40), dbSNP rs201701585, ClinGen allele CA315312.

ClinVar aggregate classification (germline): Benign. Review status: criteria provided, multiple submitters, no conflicts (2 of 4 stars). 5 submissions from 5 submitters: Benign (5). Last evaluated 2026-01-28.

Conditions:
Early-infantile DEE. Also called: Early infantile epileptic encephalopathy; Ohtahara syndrome; Early infantile epileptic encephalopathy with suppression bursts. Identifiers: Orphanet 1934, MedGen C0393706, MONDO:0800491.
Inborn genetic diseases. Identifiers: MedGen C0950123, MeSH D030342.

Allele frequency attached by ClinVar (database versions not stated): gnomAD 0.00022; 1000 Genomes Project 0.00180; gnomAD exomes 0.00213; TOPMed 0.00035; 1000 Genomes Project 30x 0.00156; ExAC 0.00255.
gnomAD v4.1: 1,752 of 1,606,336 alleles (0.11%); highest among the groups gnomAD compares: South Asian, 1.4%; 30 homozygotes.

Submissions (5):

Labcorp Genetics (formerly Invitae), Labcorp
Classification: Benign for Early-infantile DEE. Last evaluated: 2026-01-28. Review status: criteria provided, single submitter. Criteria: Invitae Variant Classification Sherloc (09022015). Collection method: clinical testing. Allele origin: germline.

CeGaT Center for Human Genetics Tuebingen
Classification: Benign. Last evaluated: 2025-03-01. Review status: criteria provided, single submitter. Criteria: CeGaT Center For Human Genetics Tuebingen Variant Classification Criteria Version 2. Collection method: clinical testing. Allele origin: germline. Affected: yes. Observed: 13 variant alleles.
Comment: KCNQ2: BS1, BS2

Ambry Genetics
Classification: Benign for Inborn genetic diseases. Last evaluated: 2019-04-15. Review status: criteria provided, single submitter. Criteria: Ambry Variant Classification Scheme 2023. Collection method: clinical testing. Allele origin: germline.

GeneDx
Classification: Benign. Last evaluated: 2016-07-05. Review status: criteria provided, single submitter. Criteria: GeneDx Variant Classification (06012015). Collection method: clinical testing. Allele origin: germline. Affected: yes.
Comment: This variant is considered likely benign or benign based on one or more of the following criteria: it is a conservative change, it occurs at a poorly conserved position in the protein, it is predicted to be benign by multiple in silico algorithms, and/or has population frequency not consistent with disease.

Breakthrough Genomics
Classification: Benign. Review status: criteria provided, single submitter. Criteria: ACMG Guidelines, 2015. Collection method: not provided. Allele origin: germline. Inheritance: Autosomal dominant inheritance. Affected: yes.